The following is an entry in ClinVar:

NM_152732.5(RSPH9):c.304C>T (p.Arg102Cys)

Gene: RSPH9 (radial spoke head component 9; plus strand). Cytogenetic location: 6p21.1.
Variant type: single nucleotide variant.
Coding change: c.304C>T on transcript NM_152732.5 (MANE Select); coding-DNA position 304, C replaced by T.
Protein change: p.Arg102Cys; replaces arginine 102 with cysteine.
Molecular consequence: missense variant. On other transcripts: non-coding transcript variant (1).
Genome position (GRCh38, 1-based): chr6:43,650,451, C>T. VCF-style: chr6-43650451-C-T. GRCh37 (hg19) VCF-style: chr6-43618188-C-T.
Other names: c.304C>T, p.Arg102Cys (NM_001193341.2, NM_001424119.1, NM_001424120.1 and 1 more transcripts); short protein forms R102C.
Identifiers: ClinVar variation 3626742 (VCV003626742.1).

ClinVar aggregate classification (germline): Uncertain significance (1 of 4 stars; one submission).

Conditions:
Primary ciliary dyskinesia. Also called: Ciliary dyskinesia. Identifiers: Orphanet 244, MedGen C0008780, MONDO:0016575, HP:0012265.

Submission:

Labcorp Genetics (formerly Invitae), Labcorp
Classification: Uncertain significance for Primary ciliary dyskinesia. Last evaluated: 2024-04-11. Review status: criteria provided, single submitter. Criteria: Invitae Variant Classification Sherloc (09022015). Collection method: clinical testing. Allele origin: germline.
Comment: This sequence change replaces arginine, which is basic and polar, with cysteine, which is neutral and slightly polar, at codon 102 of the RSPH9 protein (p.Arg102Cys). This variant is present in population databases (rs774004334, gnomAD 0.003%). This variant has not been reported in the literature in individuals affected with RSPH9-related conditions. An algorithm developed to predict the effect of missense changes on protein structure and function (PolyPhen-2) suggests that this variant is likely to be disruptive. In summary, the available evidence is currently insufficient to determine the role of this variant in disease. Therefore, it has been classified as a Variant of Uncertain Significance.